The following is an entry in ClinVar:

NM_015978.3(TNNI3K):c.1840C>A (p.Gln614Lys)

Genes: FPGT-TNNI3K (FPGT-TNNI3K readthrough; plus strand), TNNI3K (TNNI3 interacting kinase; plus strand). Cytogenetic location: 1p31.1.
Variant type: single nucleotide variant.
Coding change: c.1840C>A on transcript NM_015978.3 (MANE Select); coding-DNA position 1840, C replaced by A.
Protein change: p.Gln614Lys; replaces glutamine 614 with lysine.
Molecular consequence: missense variant.
Genome position (GRCh38, 1-based): chr1:74,436,488, C>A. VCF-style: chr1-74436488-C-A. GRCh37 (hg19) VCF-style: chr1-74902172-C-A.
Other names: c.2143C>A, p.Gln715Lys (NM_001112808.3, NM_001199327.2); short protein forms Q614K, Q715K.
Identifiers: ClinVar variation 2809127 (VCV002809127.3), dbSNP rs776019755, ClinGen allele CA340788924.

ClinVar aggregate classification (germline): Uncertain significance (1 of 4 stars; one submission).

Allele frequency attached by ClinVar (database versions not stated): gnomAD exomes below 0.00001.
gnomAD v4.1: 3 of 1,583,934 alleles (0.00019%); highest among the groups gnomAD compares: Non-Finnish European, 0.00026%; no homozygotes.

Submission:

Labcorp Genetics (formerly Invitae), Labcorp
Classification: Uncertain significance. Last evaluated: 2023-10-18. Review status: criteria provided, single submitter. Criteria: Invitae Variant Classification Sherloc (09022015). Collection method: clinical testing. Allele origin: germline.
Comment: This sequence change replaces glutamine, which is neutral and polar, with lysine, which is basic and polar, at codon 614 of the TNNI3K protein (p.Gln614Lys). This variant is not present in population databases (gnomAD no frequency). This variant has not been reported in the literature in individuals affected with TNNI3K-related conditions. An algorithm developed to predict the effect of missense changes on protein structure and function (PolyPhen-2) suggests that this variant is likely to be tolerated. Algorithms developed to predict the effect of sequence changes on RNA splicing suggest that this variant may disrupt the consensus splice site. In summary, the available evidence is currently insufficient to determine the role of this variant in disease. Therefore, it has been classified as a Variant of Uncertain Significance.